The following is an entry in ClinVar:

NM_183235.3(RAB27A):c.400_401del (p.Lys134fs)

Gene: RAB27A (RAB27A, member RAS oncogene family; minus strand). Cytogenetic location: 15q21.3.
Variant type: Deletion.
Coding change: c.400_401del on transcript NM_183235.3 (MANE Select); coding-DNA positions 400 to 401, 2 bases deleted (AA; older notation c.400_401delAA).
Protein change: p.Lys134fs; shifts the reading frame from lysine 134.
Molecular consequence: frameshift variant.
Genome position (GRCh38, 1-based): chr15:55,223,955-55,223,956, TT deleted on the plus strand (AA on the coding strand, the reverse complement: RAB27A is on the minus strand). VCF-style (leftmost placement, unchanged base first): chr15-55223954-CTT-C. GRCh37 (hg19) VCF-style: chr15-55516152-CTT-C.
Other names: c.400_401del, p.Lys134fs (NM_004580.5, NM_183236.3); c.400_401delAA, p.Lys134Glufs (NM_183234.3); short protein forms K134fs.
Identifiers: ClinVar variation 1074135 (VCV001074135.14), dbSNP rs755338751, ClinGen allele CA7573582.

ClinVar aggregate classification (germline): Pathogenic/Likely pathogenic. Review status: criteria provided, multiple submitters, no conflicts (2 of 4 stars). 4 submissions from 4 submitters: Pathogenic (3); Likely pathogenic (1). Last evaluated 2025-05-29.

Conditions:
Autoinflammatory syndrome. Identifiers: Orphanet 93665, MedGen C3890737, MONDO:0019751.
Griscelli syndrome type 2 (GS2). Also called: PAID SYNDROME; PARTIAL ALBINISM AND IMMUNODEFICIENCY SYNDROME; GRISCELLI SYNDROME WITH HEMOPHAGOCYTIC SYNDROME. Identifiers: Orphanet 381, Orphanet 79477, MedGen C1868679, MONDO:0011872, OMIM 607624.

Allele frequency attached by ClinVar (database versions not stated): gnomAD exomes below 0.00001 and 0.00001; ExAC 0.00001; gnomAD 0.00001.

Submissions (4):

Revvity Omics, Revvity
Classification: Pathogenic for Griscelli syndrome type 2. Last evaluated: 2025-05-29. Review status: criteria provided, single submitter. Criteria: ACMG Guidelines, 2015. Collection method: clinical testing. Allele origin: germline.

Labcorp Genetics (formerly Invitae), Labcorp
Classification: Pathogenic for Griscelli syndrome type 2. Last evaluated: 2025-02-27. Review status: criteria provided, single submitter. Criteria: Invitae Variant Classification Sherloc (09022015). Collection method: clinical testing. Allele origin: germline.
Comment: This sequence change creates a premature translational stop signal (p.Lys134Glufs*2) in the RAB27A gene. It is expected to result in an absent or disrupted protein product. Loss-of-function variants in RAB27A are known to be pathogenic (PMID: 10835631, 23160464). This variant is not present in population databases (gnomAD no frequency). This premature translational stop signal has been observed in individual(s) with Griscelli syndrome (PMID: 10835631). This variant is also known as 400delAA. ClinVar contains an entry for this variant (Variation ID: 1074135). For these reasons, this variant has been classified as Pathogenic.

Fulgent Genetics
Classification: Pathogenic for Griscelli syndrome type 2. Last evaluated: 2022-04-12. Review status: criteria provided, single submitter. Criteria: ACMG Guidelines, 2015. Collection method: clinical testing. Allele origin: unknown.

Genome Diagnostics Laboratory, The Hospital for Sick Children
Classification: Likely pathogenic for Autoinflammatory syndrome. Last evaluated: 2021-12-23. Review status: criteria provided, single submitter. Criteria: ACMG Guidelines, 2015. Collection method: clinical testing. Allele origin: germline. Affected: yes.

Literature cited by the submitters: PubMed 10835631 (cited by Labcorp Genetics (formerly Invitae), Labcorp); PubMed 23160464 (cited by Labcorp Genetics (formerly Invitae), Labcorp).